The following is an entry in ClinVar:

ClinVar aggregate classification (germline): Uncertain significance (1 of 4 stars; one submission).

Submission:

Labcorp Genetics (formerly Invitae), Labcorp
Classification: Uncertain significance. Last evaluated: 2024-04-16. Review status: criteria provided, single submitter. Criteria: Invitae Variant Classification Sherloc (09022015). Collection method: clinical testing. Allele origin: germline.
Comment: This sequence change replaces valine, which is neutral and non-polar, with phenylalanine, which is neutral and non-polar, at codon 411 of the PIK3C2A protein (p.Val411Phe). This variant is not present in population databases (gnomAD no frequency). This variant has not been reported in the literature in individuals affected with PIK3C2A-related conditions. An algorithm developed to predict the effect of missense changes on protein structure and function (PolyPhen-2) suggests that this variant is likely to be disruptive. In summary, the available evidence is currently insufficient to determine the role of this variant in disease. Therefore, it has been classified as a Variant of Uncertain Significance.

NM_002645.4(PIK3C2A):c.1231G>T (p.Val411Phe)

Gene: PIK3C2A (phosphatidylinositol-4-phosphate 3-kinase catalytic subunit type 2 alpha; minus strand). Cytogenetic location: 11p15.1.
Variant type: single nucleotide variant.
Coding change: c.1231G>T on transcript NM_002645.4 (MANE Select); coding-DNA position 1231, G replaced by T.
Protein change: p.Val411Phe; replaces valine 411 with phenylalanine.
Molecular consequence: missense variant.
Genome position (GRCh38, 1-based): chr11:17,150,594, C>A on the plus strand (G>T on the coding strand, the complement: PIK3C2A is on the minus strand). VCF-style: chr11-17150594-C-A. GRCh37 (hg19) VCF-style: chr11-17172141-C-A.
Other names: c.1231G>T, p.Val411Phe (NM_001321378.2, NM_001386870.1); c.91G>T, p.Val31Phe (NM_001321380.2); short protein forms V31F, V411F.
Identifiers: ClinVar variation 3646823 (VCV003646823.2).